The following is an entry in ClinVar:

ClinVar aggregate classification (germline): Uncertain significance (1 of 4 stars; one submission).

Conditions:
Koolen-de Vries syndrome (KDVS). Identifiers: Orphanet 96169, MedGen C1864871, MONDO:0012496, OMIM 610443.

Allele frequency attached by ClinVar (database versions not stated): gnomAD exomes below 0.00001.
gnomAD v4.1: 1 of 1,595,264 alleles (0.000063%); highest among the groups gnomAD compares: Non-Finnish European, 0.000085%; no homozygotes.

Submission:

Labcorp Genetics (formerly Invitae), Labcorp
Classification: Uncertain significance for Koolen-de Vries syndrome. Last evaluated: 2022-07-06. Review status: criteria provided, single submitter. Criteria: Invitae Variant Classification Sherloc (09022015). Collection method: clinical testing. Allele origin: germline.
Comment: Due to the possible presence of a polymorphic segmental duplication, the location of the variant could not be unambiguously resolved. Variants with ambiguous mapping are still reported relative to the KANSL1 transcript. This variant has not been reported in the literature in individuals with KANSL1-related conditions. This variant is not present in population databases (gnomAD no frequency). This sequence change falls in intron 2 of the KANSL1 gene. It does not directly change the encoded amino acid sequence of the KANSL1 protein. It affects a nucleotide within the consensus splice site. Until the location of this sequence change can be resolved, the clinical significance of this variant remains uncertain. It has been classified as a Variant of Uncertain Significance. Variants that disrupt the consensus splice site are a relatively common cause of aberrant splicing (PMID: 17576681, 9536098). Algorithms developed to predict the effect of sequence changes on RNA splicing suggest that this variant is not likely to affect RNA splicing. ClinVar contains an entry for this variant (Variation ID: 840647).

Literature cited by the submitters: PubMed 17576681; PubMed 9536098.

NM_015443.4(KANSL1):c.1289+3G>A

Gene: KANSL1 (KAT8 regulatory NSL complex subunit 1). Cytogenetic location: 17q21.31.
Variant type: single nucleotide variant.
Coding change: c.1289+3G>A on transcript NM_015443.4 (MANE Select); 3 bases into the intron after coding-DNA position 1289, G replaced by A.
Molecular consequence: intron variant.
Genome position (GRCh38, 1-based): chr17:46,170,852, C>T on the plus strand (G>A on the coding strand, the complement: KANSL1 is on the minus strand). VCF-style: chr17-46170852-C-T. GRCh37 (hg19) VCF-style: chr17-44248218-C-T.
Other names: c.1289+3G>A (NM_001193465.2, NM_001379198.1, NM_001193466.2).
Identifiers: ClinVar variation 840647 (VCV000840647.9), dbSNP rs2046246397, ClinGen allele CA916083544.